The following is an entry in ClinVar:

NM_000441.2(SLC26A4):c.2333T>G (p.Leu778Arg)

Gene: SLC26A4 (solute carrier family 26 member 4; plus strand). Cytogenetic location: 7q22.3.
Variant type: single nucleotide variant.
Coding change: c.2333T>G on transcript NM_000441.2 (MANE Select); coding-DNA position 2333, T replaced by G.
Protein change: p.Leu778Arg; replaces leucine 778 with arginine.
Molecular consequence: missense variant.
Genome position (GRCh38, 1-based): chr7:107,715,436, T>G. VCF-style: chr7-107715436-T-G. GRCh37 (hg19) VCF-style: chr7-107355881-T-G.
Other names: short protein forms L778R.
Identifiers: ClinVar variation 3906639 (VCV003906639.1).

ClinVar aggregate classification (germline): Uncertain significance (1 of 4 stars; one submission).

Submission:

GeneDx
Classification: Uncertain significance. Last evaluated: 2024-12-18. Review status: criteria provided, single submitter. Criteria: GeneDx Variant Classification Process June 2021. Collection method: clinical testing. Allele origin: germline. Affected: yes.
Comment: Not observed at significant frequency in large population cohorts (gnomAD); In silico analysis indicates that this missense variant does not alter protein structure/function; Has not been previously published as pathogenic or benign to our knowledge